The following is an entry in ClinVar:

ClinVar aggregate classification (germline): Uncertain significance. Review status: criteria provided, multiple submitters, no conflicts (2 of 4 stars). 2 submissions from 2 submitters: Uncertain significance (2). Last evaluated 2024-02-26.

Conditions:
Spastic paraplegia. Identifiers: MedGen C0037772, HP:0001258.

Submissions (2):

Labcorp Genetics (formerly Invitae), Labcorp
Classification: Uncertain significance for Spastic paraplegia. Last evaluated: 2024-02-26. Review status: criteria provided, single submitter. Criteria: Invitae Variant Classification Sherloc (09022015). Collection method: clinical testing. Allele origin: germline.
Comment: This sequence change replaces arginine, which is basic and polar, with tryptophan, which is neutral and slightly polar, at codon 17 of the KIF5A protein (p.Arg17Trp). This variant is not present in population databases (gnomAD no frequency). This variant has not been reported in the literature in individuals affected with KIF5A-related conditions. ClinVar contains an entry for this variant (Variation ID: 1311469). Advanced modeling of protein sequence and biophysical properties (such as structural, functional, and spatial information, amino acid conservation, physicochemical variation, residue mobility, and thermodynamic stability) performed at Invitae indicates that this missense variant is expected to disrupt KIF5A protein function with a positive predictive value of 80%. In summary, the available evidence is currently insufficient to determine the role of this variant in disease. Therefore, it has been classified as a Variant of Uncertain Significance.

GeneDx
Classification: Uncertain significance. Last evaluated: 2020-02-05. Review status: criteria provided, single submitter. Criteria: GeneDx Variant Classification Process June 2021. Collection method: clinical testing. Allele origin: germline. Affected: yes.
Comment: Not observed in large population cohorts (Lek et al., 2016); In silico analysis supports that this missense variant has a deleterious effect on protein structure/function; Has not been previously published as pathogenic or benign to our knowledge

NM_004984.4(KIF5A):c.49C>T (p.Arg17Trp)

Gene: KIF5A (kinesin family member 5A; plus strand). Cytogenetic location: 12q13.3.
Variant type: single nucleotide variant.
Coding change: c.49C>T on transcript NM_004984.4 (MANE Select); coding-DNA position 49, C replaced by T.
Protein change: p.Arg17Trp; replaces arginine 17 with tryptophan.
Molecular consequence: missense variant.
Genome position (GRCh38, 1-based): chr12:57,550,320, C>T. VCF-style: chr12-57550320-C-T. GRCh37 (hg19) VCF-style: chr12-57944103-C-T.
Other names: c.49C>T, p.Arg17Trp (NM_001354705.2); short protein forms R17W.
Identifiers: ClinVar variation 1311469 (VCV001311469.4), dbSNP rs2140150123, ClinGen allele CA385495879.